The following is an entry in ClinVar:

ClinVar aggregate classification (germline): Uncertain significance (1 of 4 stars; one submission).

Conditions:
Hereditary cancer-predisposing syndrome. Also called: Hereditary Cancer Syndrome; Hereditary neoplastic syndrome; Neoplastic Syndromes, Hereditary; Tumor predisposition. Identifiers: Orphanet 140162, MedGen C0027672, MeSH D009386, MONDO:0015356.

Submission:

Ambry Genetics
Classification: Uncertain significance for Hereditary cancer-predisposing syndrome. Last evaluated: 2025-05-31. Review status: criteria provided, single submitter. Criteria: Ambry Variant Classification Scheme 2023. Collection method: clinical testing. Allele origin: germline.
Comment: The p.R230S variant (also known as c.688C>A), located in coding exon 6 of the APC gene, results from a C to A substitution at nucleotide position 688. The arginine at codon 230 is replaced by serine, an amino acid with dissimilar properties. This amino acid position is conserved. In addition, in silico predictors for this gene do not accurately predict pathogenicity. Based on the available evidence, the clinical significance of this variant remains unclear.

NM_000038.6(APC):c.688C>A (p.Arg230Ser)

Gene: APC (APC regulator of Wnt signaling pathway; plus strand). Cytogenetic location: 5q22.2.
Variant type: single nucleotide variant.
Coding change: c.688C>A on transcript NM_000038.6 (MANE Select); coding-DNA position 688, C replaced by A.
Protein change: p.Arg230Ser; replaces arginine 230 with serine.
Molecular consequence: missense variant. On other transcripts: 5 prime UTR variant (4), non-coding transcript variant (2), intron variant (5).
Genome position (GRCh38, 1-based): chr5:112,792,488, C>A. VCF-style: chr5-112792488-C-A. GRCh37 (hg19) VCF-style: chr5-112128185-C-A.
Other names: c.688C>A, p.Arg230Ser (NM_001127510.3, NM_001354895.2, NM_001354896.2 and 12 more transcripts); c.718C>A, p.Arg240Ser (NM_001354897.2, NM_001354902.2, NM_001407446.1); c.613C>A, p.Arg205Ser (NM_001354898.2, NM_001354904.2, NM_001407451.1); c.511C>A, p.Arg171Ser (NM_001354900.2, NM_001354901.2, NM_001354905.2 and 1 more transcripts); c.-348C>A (NM_001354906.2, NM_001407470.1, NM_001407471.1 and 1 more transcripts); c.646-8791C>A (NM_001407452.1, NM_001407469.1, NM_001354899.2 and 1 more transcripts); c.676-8791C>A (NM_001127511.3); short protein forms R205S, R240S, R171S, R230S.
Identifiers: ClinVar variation 3929782 (VCV003929782.1).